The following is an entry in ClinVar:

ClinVar aggregate classification (germline): Benign. Review status: criteria provided, multiple submitters, no conflicts (2 of 4 stars). 3 submissions from 3 submitters: Benign (3). Last evaluated 2025-02-01.

Allele frequency attached by ClinVar (database versions not stated): 1000 Genomes Project 0.00359; 1000 Genomes Project 30x 0.00390; ExAC 0.00599; gnomAD exomes 0.00603; TOPMed 0.00627; gnomAD 0.00638 and 0.00655; ESP Exome Variant Server 0.00708.

Submissions (3):

CeGaT Center for Human Genetics Tuebingen
Classification: Benign. Last evaluated: 2025-02-01. Review status: criteria provided, single submitter. Criteria: CeGaT Center For Human Genetics Tuebingen Variant Classification Criteria Version 2. Collection method: clinical testing. Allele origin: germline. Affected: yes. Observed: 5 variant alleles.
Comment: HOXB1: BP4, BP7, BS1, BS2

Labcorp Genetics (formerly Invitae), Labcorp
Classification: Benign. Last evaluated: 2019-12-31. Review status: criteria provided, single submitter. Criteria: Invitae Variant Classification Sherloc (09022015). Collection method: clinical testing. Allele origin: germline.

Breakthrough Genomics
Classification: Benign. Review status: criteria provided, single submitter. Criteria: ACMG Guidelines, 2015. Collection method: not provided. Allele origin: germline. Inheritance: Autosomal recessive inheritance. Affected: yes.

NM_002144.4(HOXB1):c.246G>A (p.Ser82=)

Gene: HOXB1 (homeobox B1; minus strand). Cytogenetic location: 17q21.32.
Variant type: single nucleotide variant.
Coding change: c.246G>A on transcript NM_002144.4 (MANE Select); coding-DNA position 246, G replaced by A.
Protein change: p.Ser82=; no amino-acid change (serine 82 retained).
Molecular consequence: synonymous variant.
Genome position (GRCh38, 1-based): chr17:48,530,659, C>T on the plus strand (G>A on the coding strand, the complement: HOXB1 is on the minus strand). VCF-style: chr17-48530659-C-T. GRCh37 (hg19) VCF-style: chr17-46608021-C-T.
Identifiers: ClinVar variation 702086 (VCV000702086.29), dbSNP rs145345040, ClinGen allele CA8631813.